The following is an entry in ClinVar:

NM_015102.5(NPHP4):c.1523C>T (p.Ala508Val)

Gene: NPHP4 (nephrocystin 4; minus strand). Cytogenetic location: 1p36.31.
Variant type: single nucleotide variant.
Coding change: c.1523C>T on transcript NM_015102.5 (MANE Select); coding-DNA position 1523, C replaced by T.
Protein change: p.Ala508Val; replaces alanine 508 with valine.
Molecular consequence: missense variant. On other transcripts: non-coding transcript variant (1), intron variant (2).
Genome position (GRCh38, 1-based): chr1:5,907,203, G>A on the plus strand (C>T on the coding strand, the complement: NPHP4 is on the minus strand). VCF-style: chr1-5907203-G-A. GRCh37 (hg19) VCF-style: chr1-5967263-G-A.
Other names: c.76-1420C>T (NM_001291594.2); c.76-1423C>T (NM_001291593.2); c.1523C>T (NM_015102.4); short protein forms A508V.
Identifiers: ClinVar variation 1439545 (VCV001439545.8), dbSNP rs766910538, ClinGen allele CA554458.

ClinVar aggregate classification (germline): Uncertain significance. Review status: criteria provided, multiple submitters, no conflicts (2 of 4 stars). 3 submissions from 3 submitters: Uncertain significance (3). Last evaluated 2026-03-06.

Conditions:
Nephronophthisis 4 (NPHP4). Also called: NEPHRONOPHTHISIS 4, JUVENILE. Identifiers: Orphanet 655, MedGen C1847013, MONDO:0011752, OMIM 606966.
Senior-Loken syndrome 4 (SLSN4). Identifiers: Orphanet 3156, MedGen C1846979, MONDO:0011756, OMIM 606996.
NPHP4-related disorder. Also called: NPHP4-related disorders; NPHP4-related condition. Identifiers: MedGen CN239384.
Nephronophthisis. Also called: Juvenile Nephronophthisis. Identifiers: Orphanet 655, MedGen C0687120, MONDO:0019005, HP:0000090.

Allele frequency attached by ClinVar (database versions not stated): TOPMed 0.00001; ExAC 0.00010.
gnomAD v4.1: 17 of 1,579,844 alleles (0.0011%); highest among the groups gnomAD compares: Middle Eastern, 0.017%; no homozygotes.

Submissions (3):

PreventionGenetics, part of Exact Sciences
Classification: Uncertain significance for NPHP4-related condition. Last evaluated: 2026-03-06. Review status: criteria provided, single submitter. Criteria: ACMG Guidelines, 2015. Collection method: clinical testing. Allele origin: germline.
Comment: The NPHP4 c.1523C>T variant is predicted to result in the amino acid substitution p.Ala508Val. To our knowledge, this variant has not been reported in the literature. This variant is reported in 0.0081% of alleles in individuals of South Asian descent in gnomAD. At this time, the clinical significance of this variant is uncertain due to the absence of conclusive functional and genetic evidence.

Fulgent Genetics
Classification: Uncertain significance for Nephronophthisis 4; Senior-Loken syndrome 4. Last evaluated: 2021-12-22. Review status: criteria provided, single submitter. Criteria: ACMG Guidelines, 2015. Collection method: clinical testing. Allele origin: unknown.

Labcorp Genetics (formerly Invitae), Labcorp
Classification: Uncertain significance for Nephronophthisis. Last evaluated: 2021-07-02. Review status: criteria provided, single submitter. Criteria: Invitae Variant Classification Sherloc (09022015). Collection method: clinical testing. Allele origin: germline.
Comment: This sequence change replaces alanine with valine at codon 508 of the NPHP4 protein (p.Ala508Val). The alanine residue is moderately conserved and there is a small physicochemical difference between alanine and valine. This variant is present in population databases (rs766910538, ExAC 0.09%). This variant has not been reported in the literature in individuals affected with NPHP4-related conditions. Algorithms developed to predict the effect of missense changes on protein structure and function output the following: SIFT: "Tolerated"; PolyPhen-2: "Benign"; Align-GVGD: "Class C0". The valine amino acid residue is found in multiple mammalian species, which suggests that this missense change does not adversely affect protein function. In summary, the available evidence is currently insufficient to determine the role of this variant in disease. Therefore, it has been classified as a Variant of Uncertain Significance.